The following is an entry in ClinVar:

ClinVar aggregate classification (germline): Uncertain significance (1 of 4 stars; one submission).

Submission:

Labcorp Genetics (formerly Invitae), Labcorp
Classification: Uncertain significance. Last evaluated: 2022-03-13. Review status: criteria provided, single submitter. Criteria: Invitae Variant Classification Sherloc (09022015). Collection method: clinical testing. Allele origin: germline.
Comment: This sequence change falls in intron 16 of the HYOU1 gene. It does not directly change the encoded amino acid sequence of the HYOU1 protein. In summary, the available evidence is currently insufficient to determine the role of this variant in disease. Therefore, it has been classified as a Variant of Uncertain Significance. This variant is present in population databases (no rsID available, gnomAD 0.0009%). This variant has not been reported in the literature in individuals affected with HYOU1-related conditions. Experimental studies and prediction algorithms are not available or were not evaluated, and the effect of this variant on mRNA splicing is currently unknown.

NM_006389.5(HYOU1):c.1806+19del

Gene: HYOU1 (hypoxia up-regulated 1; minus strand). Cytogenetic location: 11q23.3.
Variant type: Deletion.
Coding change: c.1806+19del on transcript NM_006389.5 (MANE Select); 19 bases into the intron after coding-DNA position 1806, one base deleted (C; older notation c.1806+19delC).
Molecular consequence: intron variant.
Genome position (GRCh38, 1-based): chr11:119,049,537, G deleted on the plus strand (C on the coding strand, the reverse complement: HYOU1 is on the minus strand); the first of 2 consecutive G bases (chr11:119,049,537-119,049,538); deleting either gives the same sequence. VCF-style (leftmost placement, unchanged base first): chr11-119049536-TG-T. GRCh37 (hg19) VCF-style: chr11-118920248-TG-T.
Other names: c.1806+19del (NM_001130991.3).
Identifiers: ClinVar variation 2111115 (VCV002111115.4), dbSNP rs1367071193, ClinGen allele CA672393655.